The following is an entry in ClinVar:

NM_016284.5(CNOT1):c.6422G>A (p.Arg2141Lys)

Gene: CNOT1 (CCR4-NOT transcription complex subunit 1; minus strand). Cytogenetic location: 16q21.
Variant type: single nucleotide variant.
Coding change: c.6422G>A on transcript NM_016284.5 (MANE Select); coding-DNA position 6422, G replaced by A.
Protein change: p.Arg2141Lys; replaces arginine 2141 with lysine.
Molecular consequence: missense variant. On other transcripts: non-coding transcript variant (1).
Genome position (GRCh38, 1-based): chr16:58,528,506, C>T on the plus strand (G>A on the coding strand, the complement: CNOT1 is on the minus strand). VCF-style: chr16-58528506-C-T. GRCh37 (hg19) VCF-style: chr16-58562410-C-T.
Other names: c.6407G>A, p.Arg2136Lys (NM_001265612.2); short protein forms R2136K, R2141K.
Identifiers: ClinVar variation 2038059 (VCV002038059.4), dbSNP rs2543829546, ClinGen allele CA396161599.

ClinVar aggregate classification (germline): Uncertain significance (1 of 4 stars; one submission).

Allele frequency attached by ClinVar (database versions not stated): gnomAD exomes below 0.00001.
gnomAD v4.1: 1 of 1,613,736 alleles (0.000062%); highest among the groups gnomAD compares: Non-Finnish European, 0.000085%; no homozygotes.

Submission:

Labcorp Genetics (formerly Invitae), Labcorp
Classification: Uncertain significance. Last evaluated: 2022-03-18. Review status: criteria provided, single submitter. Criteria: Invitae Variant Classification Sherloc (09022015). Collection method: clinical testing. Allele origin: germline.
Comment: In summary, the available evidence is currently insufficient to determine the role of this variant in disease. Therefore, it has been classified as a Variant of Uncertain Significance. Algorithms developed to predict the effect of missense changes on protein structure and function are either unavailable or do not agree on the potential impact of this missense change (SIFT: "Tolerated"; PolyPhen-2: "Probably Damaging"; Align-GVGD: "Class C0"). This variant has not been reported in the literature in individuals affected with CNOT1-related conditions. This variant is not present in population databases (gnomAD no frequency). This sequence change replaces arginine, which is basic and polar, with lysine, which is basic and polar, at codon 2136 of the CNOT1 protein (p.Arg2136Lys).